The following is an entry in ClinVar:

ClinVar aggregate classification (germline): Uncertain significance (1 of 4 stars; one submission).

Conditions:
Granulomatous disease, chronic, autosomal recessive, cytochrome b-positive, type 2. Also called: Chronic granulomatous disease due to deficiency of NCF-2; Chronic Granulomatous Disease, Autosomal Recessive, Cytochrome b-Positive, Type II; CGD, AUTOSOMAL RECESSIVE CYTOCHROME b-POSITIVE, TYPE II; GRANULOMATOUS DISEASE, CHRONIC, DUE TO NCF2 DEFICIENCY; GRANULOMATOUS DISEASE, CHRONIC, AUTOSOMAL RECESSIVE, 2. Identifiers: Orphanet 379, MedGen C1856245, MONDO:0009310, OMIM 233710.

Allele frequency attached by ClinVar (database versions not stated): TOPMed below 0.00001.

Submission:

Labcorp Genetics (formerly Invitae), Labcorp
Classification: Uncertain significance for Granulomatous disease, chronic, autosomal recessive, cytochrome b-positive, type 2. Last evaluated: 2021-04-05. Review status: criteria provided, single submitter. Criteria: Invitae Variant Classification Sherloc (09022015). Collection method: clinical testing. Allele origin: germline.
Comment: In summary, the available evidence is currently insufficient to determine the role of this variant in disease. Therefore, it has been classified as a Variant of Uncertain Significance. Algorithms developed to predict the effect of missense changes on protein structure and function are either unavailable or do not agree on the potential impact of this missense change (SIFT: "Deleterious"; PolyPhen-2: "Benign"; Align-GVGD: "Class C65"). This variant has not been reported in the literature in individuals with NCF2-related conditions. This variant is not present in population databases (ExAC no frequency). This sequence change replaces leucine with arginine at codon 248 of the NCF2 protein (p.Leu248Arg). The leucine residue is highly conserved and there is a moderate physicochemical difference between leucine and arginine.

NM_000433.4(NCF2):c.743T>G (p.Leu248Arg)

Gene: NCF2 (neutrophil cytosolic factor 2; minus strand). Cytogenetic location: 1q25.3.
Variant type: single nucleotide variant.
Coding change: c.743T>G on transcript NM_000433.4 (MANE Select); coding-DNA position 743, T replaced by G.
Protein change: p.Leu248Arg; replaces leucine 248 with arginine.
Molecular consequence: missense variant.
Genome position (GRCh38, 1-based): chr1:183,567,316, A>C on the plus strand (T>G on the coding strand, the complement: NCF2 is on the minus strand). VCF-style: chr1-183567316-A-C. GRCh37 (hg19) VCF-style: chr1-183536451-A-C.
Other names: c.743T>G, p.Leu248Arg (NM_001127651.3); c.500T>G, p.Leu167Arg (NM_001190789.2); c.608T>G, p.Leu203Arg (NM_001190794.2); short protein forms L167R, L203R, L248R.
Identifiers: ClinVar variation 1523142 (VCV001523142.8), dbSNP rs993917599, ClinGen allele CA33976793.
Genomic context (GRCh38, chr1:183,567,316, plus strand): 5'-AAGACAATGTTCCCTGGCATGACCTGGAGCTCTTCTTTTGTCTCAGGCACAAACCCAAAT[A>C]GCACACGGTGAGCCTCCCCTTCCAGAGCCCTGCAGAGGATAGACACAAGATCCAGCCCCC-3'
Protein context (NP_000424.2, residues 238-258): RALEGEAHRV[Leu248Arg]FGFVPETKEE